The following is an entry in ClinVar:

NM_017777.4(MKS1):c.959-8T>G

Gene: MKS1 (MKS transition zone complex subunit 1; minus strand). Cytogenetic location: 17q22.
Variant type: single nucleotide variant.
Coding change: c.959-8T>G on transcript NM_017777.4 (MANE Select); 8 bases into the intron before coding-DNA position 959, T replaced by G.
Molecular consequence: intron variant.
Genome position (GRCh38, 1-based): chr17:58,210,732, A>C on the plus strand (T>G on the coding strand, the complement: MKS1 is on the minus strand). VCF-style: chr17-58210732-A-C. GRCh37 (hg19) VCF-style: chr17-56288093-A-C.
Other names: c.959-8T>G (NM_017777.3, NM_001330397.2, NM_001321269.2); c.350-8T>G (NM_001321268.2).
Identifiers: ClinVar variation 282062 (VCV000282062.16), dbSNP rs763444295, ClinGen allele CA8669321.

ClinVar aggregate classification (germline): Conflicting classifications of pathogenicity. Review status: criteria provided, conflicting classifications (1 of 4 stars). 3 submissions from 3 submitters: Uncertain significance (1); Likely benign (1). 1 of the submissions does not count toward it. Last evaluated 2025-12-31.

Conditions:
MKS1-related disorder. Also called: MKS1-related disorders; MKS1-related condition. Identifiers: MedGen CN239382.
Meckel-Gruber syndrome. Also called: DYSENCEPHALIA SPLANCHNOCYSTICA; GRUBER SYNDROME; Dysencephalia splachnocystica. Identifiers: Orphanet 564, MedGen C0265215, MONDO:0018921.
Joubert syndrome. Also called: JOUBERT-BOLTSHAUSER SYNDROME; Familial aplasia of the vermis. Identifiers: Orphanet 475, MedGen C5979921, MONDO:0018772.

Allele frequency attached by ClinVar (database versions not stated): gnomAD 0.00001; ExAC 0.00002; gnomAD exomes 0.00002; TOPMed 0.00002.
gnomAD v4.1: 8 of 1,613,924 alleles (0.0005%); highest among the groups gnomAD compares: Admixed American, 0.013%; no homozygotes.

Submissions (3):

Labcorp Genetics (formerly Invitae), Labcorp
Classification: Likely benign for Joubert syndrome; Meckel-Gruber syndrome. Last evaluated: 2025-12-31. Review status: criteria provided, single submitter. Criteria: Invitae Variant Classification Sherloc (09022015). Collection method: clinical testing. Allele origin: germline.

Eurofins Ntd Llc (ga)
Classification: Uncertain significance. Last evaluated: 2015-07-27. Review status: criteria provided, single submitter. Criteria: EGL Classification Definitions 2015. Collection method: clinical testing. Allele origin: germline. Observed: 1 variant allele, 1 heterozygote.

PreventionGenetics, part of Exact Sciences
Classification: Likely benign for MKS1-related condition. Last evaluated: 2021-03-31. Review status: no assertion criteria provided. Collection method: clinical testing. Allele origin: germline. Not counted in ClinVar's aggregate classification.
Comment: This variant is classified as likely benign based on ACMG/AMP sequence variant interpretation guidelines (Richards et al. 2015 PMID: 25741868, with internal and published modifications).